The following is an entry in ClinVar:

ClinVar aggregate classification (germline): Uncertain significance (1 of 4 stars; one submission).

Submission:

Labcorp Genetics (formerly Invitae), Labcorp
Classification: Uncertain significance. Last evaluated: 2022-09-25. Review status: criteria provided, single submitter. Criteria: Invitae Variant Classification Sherloc (09022015). Collection method: clinical testing. Allele origin: germline.
Comment: This variant results in a copy number gain of the genomic region encompassing exon(s) 18-20 of the MSH3 gene. While the exact position of this variant cannot be determined from the data, sub-genic copy number gains are generally in tandem (PMID: 25640679). This variant is predicted to be in-frame, and likely preserves the integrity of the reading frame. This variant has not been reported in the literature in individuals affected with MSH3-related conditions. In summary, the available evidence is currently insufficient to determine the role of this variant in disease. Therefore, it has been classified as a Variant of Uncertain Significance. Experimental studies and prediction algorithms are not available or were not evaluated, and the functional significance of this variant is currently unknown.

Literature cited by the submitters: PubMed 25640679.

NC_000005.9:g.(?_80083374)_(80109570_?)dup

Gene: MSH3 (mutS homolog 3; plus strand). Cytogenetic location: 5q14.1.
Variant type: Duplication.
Identifiers: ClinVar variation 1511894 (VCV001511894.5).